The following is an entry in ClinVar:

NM_002528.7(NTHL1):c.317G>A (p.Gly106Glu)

Gene: NTHL1 (nth like DNA glycosylase 1; minus strand). Cytogenetic location: 16p13.3.
Variant type: single nucleotide variant.
Coding change: c.317G>A on transcript NM_002528.7 (MANE Select); coding-DNA position 317, G replaced by A.
Protein change: p.Gly106Glu; replaces glycine 106 with glutamic acid.
Molecular consequence: missense variant. On other transcripts: intron variant (1).
Genome position (GRCh38, 1-based): chr16:2,046,165, C>T on the plus strand (G>A on the coding strand, the complement: NTHL1 is on the minus strand). VCF-style: chr16-2046165-C-T. GRCh37 (hg19) VCF-style: chr16-2096166-C-T.
Other names: c.317G>A, p.Gly106Glu (NM_001318193.2); c.24+115G>A (NM_001318194.2); c.341G>A (NM_002528.5); short protein forms G106E.
Identifiers: ClinVar variation 2750926 (VCV002750926.4), dbSNP rs2548319405, ClinGen allele CA394295340.

ClinVar aggregate classification (germline): Uncertain significance. Review status: criteria provided, multiple submitters, no conflicts (2 of 4 stars). 2 submissions from 2 submitters: Uncertain significance (2). Last evaluated 2025-05-06.

Conditions:
Hereditary cancer-predisposing syndrome. Also called: Neoplastic Syndromes, Hereditary; Hereditary Cancer Syndrome; Tumor predisposition; Hereditary neoplastic syndrome. Identifiers: Orphanet 140162, MedGen C0027672, MeSH D009386, MONDO:0015356.

Submissions (2):

Labcorp Genetics (formerly Invitae), Labcorp
Classification: Uncertain significance. Last evaluated: 2025-05-06. Review status: criteria provided, single submitter. Criteria: Invitae Variant Classification Sherloc (09022015). Collection method: clinical testing. Allele origin: germline.
Comment: This sequence change replaces glycine, which is neutral and non-polar, with glutamic acid, which is acidic and polar, at codon 114 of the NTHL1 protein (p.Gly114Glu). This variant is not present in population databases (gnomAD no frequency). This variant has not been reported in the literature in individuals affected with NTHL1-related conditions. ClinVar contains an entry for this variant (Variation ID: 2750926). An algorithm developed to predict the effect of missense changes on protein structure and function (PolyPhen-2) suggests that this variant is likely to be disruptive. In summary, the available evidence is currently insufficient to determine the role of this variant in disease. Therefore, it has been classified as a Variant of Uncertain Significance.

Ambry Genetics
Classification: Uncertain significance for Hereditary cancer-predisposing syndrome. Last evaluated: 2024-05-01. Review status: criteria provided, single submitter. Criteria: Ambry Variant Classification Scheme 2023. Collection method: clinical testing. Allele origin: germline.
Comment: The p.G114E variant (also known as c.341G>A), located in coding exon 2 of the NTHL1 gene, results from a G to A substitution at nucleotide position 341. The glycine at codon 114 is replaced by glutamic acid, an amino acid with similar properties. This amino acid position is conserved. In addition, this alteration is predicted to be deleterious by in silico analysis. Based on the available evidence, the clinical significance of this variant remains unclear.